The following is an entry in ClinVar:

ClinVar aggregate classification (germline): Uncertain significance. Review status: criteria provided, multiple submitters, no conflicts (2 of 4 stars). 2 submissions from 2 submitters: Uncertain significance (2). Last evaluated 2025-11-24.

Conditions:
Hereditary cancer-predisposing syndrome. Also called: Neoplastic Syndromes, Hereditary; Hereditary Cancer Syndrome; Tumor predisposition; Hereditary neoplastic syndrome. Identifiers: Orphanet 140162, MedGen C0027672, MeSH D009386, MONDO:0015356.
Retinoblastoma (RB1). Also called: RETINOBLASTOMA, SOMATIC. Identifiers: Orphanet 790, MedGen C0035335, MeSH D012175, MONDO:0008380, OMIM 180200, HP:0009919. Disease mechanism: loss of function. Inheritance: Both sporadic and heritable forms are tested..

Allele frequency attached by ClinVar (database versions not stated): gnomAD exomes below 0.00001; TOPMed below 0.00001; gnomAD 0.00001.
gnomAD v4.1: 7 of 1,604,686 alleles (0.00044%); highest among the groups gnomAD compares: Non-Finnish European, 0.0006%; no homozygotes.

Submissions (2):

Labcorp Genetics (formerly Invitae), Labcorp
Classification: Uncertain significance for Retinoblastoma. Last evaluated: 2025-11-24. Review status: criteria provided, single submitter. Criteria: Invitae Variant Classification Sherloc (09022015). Collection method: clinical testing. Allele origin: germline.
Comment: This sequence change replaces histidine, which is basic and polar, with glutamine, which is neutral and polar, at codon 339 of the RB1 protein (p.His339Gln). This variant is not present in population databases (gnomAD no frequency). This variant has not been reported in the literature in individuals affected with RB1-related conditions. ClinVar contains an entry for this variant (Variation ID: 1035952). Invitae Evidence Modeling of protein sequence and biophysical properties (such as structural, functional, and spatial information, amino acid conservation, physicochemical variation, residue mobility, and thermodynamic stability) indicates that this missense variant is not expected to disrupt RB1 protein function with a negative predictive value of 80%. In summary, the available evidence is currently insufficient to determine the role of this variant in disease. Therefore, it has been classified as a Variant of Uncertain Significance.

Ambry Genetics
Classification: Uncertain significance for Hereditary cancer-predisposing syndrome. Last evaluated: 2024-05-24. Review status: criteria provided, single submitter. Criteria: Ambry Variant Classification Scheme 2023. Collection method: clinical testing. Allele origin: germline.
Comment: The p.H339Q variant (also known as c.1017T>A), located in coding exon 10 of the RB1 gene, results from a T to A substitution at nucleotide position 1017. The histidine at codon 339 is replaced by glutamine, an amino acid with highly similar properties. This amino acid position is conserved. In addition, the in silico prediction for this alteration is inconclusive. Based on the available evidence, the clinical significance of this variant remains unclear.

NM_000321.3(RB1):c.1017T>A (p.His339Gln)

Gene: RB1 (RB transcriptional corepressor 1; plus strand). Cytogenetic location: 13q14.2.
Variant type: single nucleotide variant.
Coding change: c.1017T>A on transcript NM_000321.3 (MANE Select); coding-DNA position 1017, T replaced by A.
Protein change: p.His339Gln; replaces histidine 339 with glutamine.
Molecular consequence: missense variant.
Genome position (GRCh38, 1-based): chr13:48,367,571, T>A. VCF-style: chr13-48367571-T-A. GRCh37 (hg19) VCF-style: chr13-48941707-T-A.
Other names: c.1017T>A (NM_000321.2); short protein forms H339Q.
Identifiers: ClinVar variation 1035952 (VCV001035952.9), dbSNP rs1161993720, ClinGen allele CA388160830.
Genomic context (GRCh38, chr13:48,367,571, plus strand): 5'-ACGATACGAAGAAATTTATCTTAAAAATAAAGATCTAGATGCAAGATTATTTTTGGATCA[T>A]GATAAAACTCTTCAGACTGATTCTATAGACAGGTATTGCACATGGTATATTTGATTGATT-3'
Protein context (NP_000312.2, residues 329-349): KDLDARLFLD[His339Gln]DKTLQTDSID